The following is an entry in ClinVar:

NM_000642.3(AGL):c.742T>C (p.Trp248Arg)

Gene: AGL (amylo-alpha-1,6-glucosidase and 4-alpha-glucanotransferase; plus strand). Cytogenetic location: 1p21.2.
Variant type: single nucleotide variant.
Coding change: c.742T>C on transcript NM_000642.3 (MANE Select); coding-DNA position 742, T replaced by C.
Protein change: p.Trp248Arg; replaces tryptophan 248 with arginine.
Molecular consequence: missense variant.
Genome position (GRCh38, 1-based): chr1:99,870,477, T>C. VCF-style: chr1-99870477-T-C. GRCh37 (hg19) VCF-style: chr1-100336033-T-C.
Other names: c.694T>C, p.Trp232Arg (NM_000646.3); c.742T>C, p.Trp248Arg (NM_001425325.1, NM_001425326.1, NM_001425327.1 and 3 more transcripts); c.538T>C, p.Trp180Arg (NM_001425328.1, NM_001425329.1); c.364T>C, p.Trp122Arg (NM_001425332.1); short protein forms W248R, W232R, W122R, W180R.
Identifiers: ClinVar variation 1461387 (VCV001461387.7), dbSNP rs2101112237, ClinGen allele CA341339671.
Genomic context (GRCh38, chr1:99,870,477, plus strand): 5'-ATCCAGGAACATCCAGAATGTGCCTATAATCTTGTGAATTCTCCACACTTAAAACCTGCC[T>C]GGGTCTTAGACAGAGCACTTTGGCGTTTCTCCTGTGATGTTGCAGAAGGGAAATACAAAG-3'
Protein context (NP_000633.2, residues 238-258): LVNSPHLKPA[Trp248Arg]VLDRALWRFS

ClinVar aggregate classification (germline): Uncertain significance (1 of 4 stars; one submission).

Conditions:
Glycogen storage disease type III (GSD3). Also called: Cori disease; FORBES DISEASE. Identifiers: Orphanet 366, MedGen C0017922, MONDO:0009291, OMIM 232400.

Submission:

Labcorp Genetics (formerly Invitae), Labcorp
Classification: Uncertain significance for Glycogen storage disease type III. Last evaluated: 2020-11-27. Review status: criteria provided, single submitter. Criteria: Invitae Variant Classification Sherloc (09022015). Collection method: clinical testing. Allele origin: germline.
Comment: This sequence change replaces tryptophan with arginine at codon 248 of the AGL protein (p.Trp248Arg). The tryptophan residue is moderately conserved and there is a moderate physicochemical difference between tryptophan and arginine. This variant is not present in population databases (ExAC no frequency). This variant has not been reported in the literature in individuals with AGL-related conditions. Algorithms developed to predict the effect of missense changes on protein structure and function are either unavailable or do not agree on the potential impact of this missense change (SIFT: "Deleterious"; PolyPhen-2: "Benign"; Align-GVGD: "Class C0"). In summary, the available evidence is currently insufficient to determine the role of this variant in disease. Therefore, it has been classified as a Variant of Uncertain Significance.